The following is an entry in ClinVar:

NM_000268.4(NF2):c.*1904A>G

Gene: NF2 (NF2, moesin-ezrin-radixin like (MERLIN) tumor suppressor; plus strand). Cytogenetic location: 22q12.2.
Variant type: single nucleotide variant.
Coding change: c.*1904A>G on transcript NM_000268.4 (MANE Select); 1904 bases downstream of the stop codon, A replaced by G.
Molecular consequence: 3 prime UTR variant. On other transcripts: non-coding transcript variant (1).
Genome position (GRCh38, 1-based): chr22:29,696,706, A>G. VCF-style: chr22-29696706-A-G. GRCh37 (hg19) VCF-style: chr22-30092695-A-G.
Other names: c.*1964A>G (NM_016418.5, NM_181828.3, NM_181829.3 and 1 more transcripts); c.*1979A>G (NM_181832.3); c.*1904A>G (NM_181833.3).
Identifiers: ClinVar variation 341124 (VCV000341124.6), dbSNP rs73390944, ClinGen allele CA10654010.

ClinVar aggregate classification (germline): Benign. Review status: criteria provided, multiple submitters, no conflicts (2 of 4 stars). 2 submissions from 2 submitters: Benign (2). Last evaluated 2018-01-12.

Conditions:
Neurofibromatosis, type 2 (SWNV). Also called: SCHWANNOMATOSIS, VESTIBULAR; BILATERAL ACOUSTIC NEUROFIBROMATOSIS; NF2-Related Schwannomatosis. Identifiers: Orphanet 637, MedGen C0027832, MONDO:0007039, OMIM 101000. Disease mechanism: loss of function.

Allele frequency attached by ClinVar (database versions not stated): TOPMed 0.14272; 1000 Genomes Project 0.14517; 1000 Genomes Project 30x 0.14881; gnomAD 0.15076.
gnomAD v4.1: 29,615 of 213,820 alleles (14%); highest among the groups gnomAD compares: African/African-American, 19%; 2,248 homozygotes.

Submissions (2):

Illumina Laboratory Services, Illumina
Classification: Benign for Neurofibromatosis, type 2. Last evaluated: 2018-01-12. Review status: criteria provided, single submitter. Criteria: ICSL Variant Classification Criteria 13 December 2019. Collection method: clinical testing. Allele origin: germline.
Comment: This variant was observed in the ICSL laboratory as part of a predisposition screen in an ostensibly healthy population. It had not been previously curated by ICSL or reported in the Human Gene Mutation Database (HGMD: prior to June 1st, 2018), and was therefore a candidate for classification through an automated scoring system. Utilizing variant allele frequency, disease prevalence and penetrance estimates, and inheritance mode, an automated score was calculated to assess if this variant is too frequent to cause the disease. Based on the score and internal cut-off values, a variant classified as benign is not then subjected to further curation. The score for this variant resulted in a classification of benign for this disease.

Breakthrough Genomics
Classification: Benign. Review status: criteria provided, single submitter. Criteria: ACMG Guidelines, 2015. Collection method: not provided. Allele origin: germline. Inheritance: Autosomal dominant inheritance. Affected: yes.